The following is an entry in ClinVar:

ClinVar aggregate classification (germline): Likely pathogenic (1 of 4 stars; one submission).

Conditions:
Giant axonal neuropathy 1 (GAN1). Also called: GIANT AXONAL NEUROPATHY 1, AUTOSOMAL RECESSIVE; GAN-Related Neurodegeneration. Identifiers: Orphanet 643, MedGen C1850386, MONDO:0009749, OMIM 256850.

Submission:

ARUP Laboratories, Molecular Genetics and Genomics, ARUP Laboratories
Classification: Likely pathogenic for Giant axonal neuropathy 1. Last evaluated: 2023-12-14. Review status: criteria provided, single submitter. Criteria: ARUP Molecular Germline Variant Investigation Process 2024. Collection method: clinical testing. Allele origin: germline.
Comment: The GAN c.910C>T; p.Gln304Ter variant, to our knowledge, is not reported in the medical literature or gene specific databases. This variant is also absent from the Genome Aggregation Database (v2.1.1), indicating it is not a common polymorphism. This variant induces an early termination codon and is predicted to result in a truncated protein or mRNA subject to nonsense-mediated decay. Additionally, several downstream truncating variants have been described in individuals with giant axonal neuropathy (Bomont 2003, Bruno 2004). Based on available information, the p.Gln304Ter variant is considered to be likely pathogenic. References: Bomont P et al. Identification of seven novel mutations in the GAN gene. Hum Mutat. 2003 Apr;21(4):446. PMID: 12655563. Bruno C et al. Clinical and molecular findings in patients with giant axonal neuropathy (GAN). Neurology. 2004 Jan 13;62(1):13-6. PMID: 14718689.

NM_022041.4(GAN):c.910C>T (p.Gln304Ter)

Gene: GAN (gigaxonin; plus strand). Cytogenetic location: 16q23.2.
Variant type: single nucleotide variant.
Coding change: c.910C>T on transcript NM_022041.4 (MANE Select); coding-DNA position 910, C replaced by T.
Protein change: p.Gln304Ter; replaces glutamine 304 with a stop codon.
Molecular consequence: nonsense.
Genome position (GRCh38, 1-based): chr16:81,357,868, C>T. VCF-style: chr16-81357868-C-T. GRCh37 (hg19) VCF-style: chr16-81391473-C-T.
Other names: c.271C>T, p.Gln91Ter (NM_001377486.1); short protein forms Q304*, Q91*.
Identifiers: ClinVar variation 3766613 (VCV003766613.1).
Genomic context (GRCh38, chr16:81,357,868, plus strand): 5'-AGTTCACGGAAACCCACAGCAGCGATGCGATGCATGTGCCCTCTCTATGACCCTAACAGG[C>T]AGCTTTGGATCGAACTGGCCCCTTTAAGCATGCCGAGAATTAACCATGGAGTTCTCTCAG-3'